The following is an entry in ClinVar:

NM_001098671.2(RASGRP2):c.1554+3G>A

Gene: RASGRP2 (RAS guanyl releasing protein 2; minus strand). Cytogenetic location: 11q13.1.
Variant type: single nucleotide variant.
Coding change: c.1554+3G>A on transcript NM_001098671.2 (MANE Select); 3 bases into the intron after coding-DNA position 1554, G replaced by A.
Molecular consequence: intron variant.
Genome position (GRCh38, 1-based): chr11:64,730,050, C>T on the plus strand (G>A on the coding strand, the complement: RASGRP2 is on the minus strand). VCF-style: chr11-64730050-C-T. GRCh37 (hg19) VCF-style: chr11-64497522-C-T.
Other names: c.1554+3G>A (NM_153819.2, NM_001440690.1, NM_001440698.1 and 9 more transcripts); c.1551+3G>A (NM_001440702.1, NM_001440701.1, NM_001440700.1); c.1638+3G>A (NM_001440705.1); c.1641+3G>A (NM_001440703.1, NM_001440704.1); c.1119+3G>A (NM_001318398.2).
Identifiers: ClinVar variation 2060455 (VCV002060455.1), dbSNP rs758677823, ClinGen allele CA6078889.

ClinVar aggregate classification (germline): Uncertain significance (1 of 4 stars; one submission).

Allele frequency attached by ClinVar (database versions not stated): gnomAD 0.00001; TOPMed 0.00002; gnomAD exomes 0.00003.

Submission:

Labcorp Genetics (formerly Invitae), Labcorp
Classification: Uncertain significance. Last evaluated: 2022-07-03. Review status: criteria provided, single submitter. Criteria: Invitae Variant Classification Sherloc (09022015). Collection method: clinical testing. Allele origin: germline.
Comment: This sequence change falls in intron 13 of the RASGRP2 gene. It does not directly change the encoded amino acid sequence of the RASGRP2 protein. It affects a nucleotide within the consensus splice site. This variant is present in population databases (rs758677823, gnomAD 0.05%). This variant has not been reported in the literature in individuals affected with RASGRP2-related conditions. Variants that disrupt the consensus splice site are a relatively common cause of aberrant splicing (PMID: 17576681, 9536098). Algorithms developed to predict the effect of sequence changes on RNA splicing suggest that this variant may disrupt the consensus splice site. In summary, the available evidence is currently insufficient to determine the role of this variant in disease. Therefore, it has been classified as a Variant of Uncertain Significance.

Literature cited by the submitters: PubMed 17576681; PubMed 9536098.